The following is an entry in ClinVar:

ClinVar aggregate classification (germline): Uncertain significance. Review status: criteria provided, multiple submitters, no conflicts (2 of 4 stars). 2 submissions from 2 submitters: Uncertain significance (2). Last evaluated 2025-02-07.

Conditions:
Hereditary cancer-predisposing syndrome. Also called: Tumor predisposition; Neoplastic Syndromes, Hereditary; Hereditary Cancer Syndrome; Hereditary neoplastic syndrome. Identifiers: Orphanet 140162, MedGen C0027672, MeSH D009386, MONDO:0015356.
Ataxia-telangiectasia syndrome (AT). Also called: ATAXIA-TELANGIECTASIA, COMPLEMENTATION GROUP A; ATAXIA-TELANGIECTASIA, FRESNO VARIANT; Ataxia-telangiectasia; Ataxia-telangiectasia, complementation group D; AT, COMPLEMENTATION GROUP C; Ataxia-telangiectasia, complementation group E. Identifiers: Orphanet 100, MedGen C0004135, MONDO:0008840, OMIM 208900.

Submissions (2):

Labcorp Genetics (formerly Invitae), Labcorp
Classification: Uncertain significance for Ataxia-telangiectasia syndrome. Last evaluated: 2025-02-07. Review status: criteria provided, single submitter. Criteria: Invitae Variant Classification Sherloc (09022015). Collection method: clinical testing. Allele origin: germline.
Comment: This sequence change replaces isoleucine, which is neutral and non-polar, with phenylalanine, which is neutral and non-polar, at codon 2185 of the ATM protein (p.Ile2185Phe). This variant is not present in population databases (gnomAD no frequency). This variant has not been reported in the literature in individuals affected with ATM-related conditions. ClinVar contains an entry for this variant (Variation ID: 851412). Invitae Evidence Modeling of protein sequence and biophysical properties (such as structural, functional, and spatial information, amino acid conservation, physicochemical variation, residue mobility, and thermodynamic stability) indicates that this missense variant is not expected to disrupt ATM protein function with a negative predictive value of 95%. In summary, the available evidence is currently insufficient to determine the role of this variant in disease. Therefore, it has been classified as a Variant of Uncertain Significance.

Ambry Genetics
Classification: Uncertain significance for Hereditary cancer-predisposing syndrome. Last evaluated: 2020-09-10. Review status: criteria provided, single submitter. Criteria: Ambry Variant Classification Scheme 2023. Collection method: clinical testing. Allele origin: germline.
Comment: The p.I2185F variant (also known as c.6553A>T), located in coding exon 44 of the ATM gene, results from an A to T substitution at nucleotide position 6553. The isoleucine at codon 2185 is replaced by phenylalanine, an amino acid with highly similar properties. This amino acid position is not well conserved in available vertebrate species. In addition, this alteration is predicted to be tolerated by in silico analysis. Since supporting evidence is limited at this time, the clinical significance of this alteration remains unclear.

NM_000051.4(ATM):c.6553A>T (p.Ile2185Phe)

Genes: ATM (ATM serine/threonine kinase; plus strand), C11orf65 (chromosome 11 open reading frame 65; minus strand). Cytogenetic location: 11q22.3.
Variant type: single nucleotide variant.
Coding change: c.6553A>T on transcript NM_000051.4 (MANE Select); coding-DNA position 6553, A replaced by T.
Protein change: p.Ile2185Phe; replaces isoleucine 2185 with phenylalanine.
Molecular consequence: missense variant. On other transcripts: intron variant (2).
Genome position (GRCh38, 1-based): chr11:108,321,401, A>T. VCF-style: chr11-108321401-A-T. GRCh37 (hg19) VCF-style: chr11-108192128-A-T.
Other names: c.6553A>T, p.Ile2185Phe (NM_001351834.2); c.641-12330T>A (NM_001330368.2); c.*39-12330T>A (NM_001351110.2); short protein forms I2185F.
Identifiers: ClinVar variation 851412 (VCV000851412.12), dbSNP rs2085205198, ClinGen allele CA382554354.